The following is an entry in ClinVar:

ClinVar aggregate classification (germline): Uncertain significance. Review status: criteria provided, multiple submitters, no conflicts (2 of 4 stars). 2 submissions from 2 submitters: Uncertain significance (2). Last evaluated 2022-04-16.

Conditions:
Cerebral palsy, spastic quadriplegic, 2 (CPSQ2). Identifiers: Orphanet 210141, MedGen C2752061, MONDO:0013033, OMIM 612900.

Submissions (2):

Fulgent Genetics
Classification: Uncertain significance for Cerebral palsy, spastic quadriplegic, 2. Last evaluated: 2022-04-16. Review status: criteria provided, single submitter. Criteria: ACMG Guidelines, 2015. Collection method: clinical testing. Allele origin: unknown.

Labcorp Genetics (formerly Invitae), Labcorp
Classification: Uncertain significance. Last evaluated: 2021-08-02. Review status: criteria provided, single submitter. Criteria: Invitae Variant Classification Sherloc (09022015). Collection method: clinical testing. Allele origin: germline.
Comment: Experimental studies and prediction algorithms are not available or were not evaluated, and the functional significance of this variant is currently unknown. In summary, the available evidence is currently insufficient to determine the role of this variant in disease. Therefore, it has been classified as a Variant of Uncertain Significance. This variant has not been reported in the literature in individuals affected with KANK1-related conditions. This variant is not present in population databases (ExAC no frequency). This variant, c.3634_3636del, results in the deletion of 1 amino acid(s) of the KANK1 protein (p.Lys1212del), but otherwise preserves the integrity of the reading frame.

NM_015158.5(KANK1):c.3634_3636del (p.Lys1212del)

Gene: KANK1 (KN motif and ankyrin repeat domains 1; plus strand). Cytogenetic location: 9p24.3.
Variant type: Deletion.
Coding change: c.3634_3636del on transcript NM_015158.5 (MANE Select); coding-DNA positions 3634 to 3636, 3 bases deleted (AAG; older notation c.3634_3636delAAG).
Protein change: p.Lys1212del; deletes lysine 1212.
Molecular consequence: inframe deletion. On other transcripts: non-coding transcript variant (1).
Genome position (GRCh38, 1-based): chr9:740,872-740,874, AAG deleted; deleting any 3 consecutive bases within chr9:740,870-740,874 gives the same sequence; the c. name uses the placement nearest the transcript's 3' end. VCF-style (leftmost placement, unchanged base first): chr9-740869-GAGA-G. GRCh37 (hg19) VCF-style: chr9-740869-GAGA-G.
Other names: c.3634_3636del, p.Lys1212del (NM_001256876.3, NM_001256877.3, NM_001354334.2); c.3394_3396del, p.Lys1132del (NM_001354331.2); c.3580_3582del, p.Lys1194del (NM_001354332.2); c.3160_3162del, p.Lys1054del (NM_001354333.2, NM_001354335.2, NM_001354337.2 and 2 more transcripts); c.2866_2868del, p.Lys956del (NM_001354336.2); c.3106_3108del, p.Lys1036del (NM_001354338.2, NM_001354340.2, NM_001354344.2); c.2920_2922del, p.Lys974del (NM_001354339.2, NM_001354342.2, NM_001354343.2); short protein forms K1054del, K1132del, K1212del, K1194del, K974del, K956del, K1036del.
Identifiers: ClinVar variation 1450194 (VCV001450194.7), dbSNP rs1481812195, ClinGen allele CA866703303.
Genomic context (GRCh38, chr9:740,869, plus strand): 5'-CACCAGAACAAGGCAGGCTACACCCCCATCATGTTGGCGGCCCTCGCCGCTGTGGAAGCA[GAGA>G]AGGACATGCGGATTGTGGAAGAACTCTTCGGCTGTGGGGATGTGAATGCCAAAGCTAGTC-3'